The following is an entry in ClinVar:

NM_006172.4(NPPA):c.443G>A (p.Ser148Asn)

Genes: NPPA (natriuretic peptide A; minus strand), NPPA-AS1 (NPPA antisense RNA 1; plus strand), LOC114827827 (VISTA enhancer hs2123; plus strand). Cytogenetic location: 1p36.22.
Variant type: single nucleotide variant.
Coding change: c.443G>A on transcript NM_006172.4 (MANE Select); coding-DNA position 443, G replaced by A.
Protein change: p.Ser148Asn; replaces serine 148 with asparagine.
Molecular consequence: missense variant.
Genome position (GRCh38, 1-based): chr1:11,847,120, C>T on the plus strand (G>A on the coding strand, the complement: NPPA is on the minus strand). VCF-style: chr1-11847120-C-T. GRCh37 (hg19) VCF-style: chr1-11907177-C-T.
Other names: short protein forms S148N.
Identifiers: ClinVar variation 4691008 (VCV004691008.1).

ClinVar aggregate classification (germline): Uncertain significance (1 of 4 stars; one submission).

Conditions:
Atrial fibrillation, familial, 6 (ATFB6). Identifiers: MedGen C2677294, MONDO:0012816, OMIM 612201.

Submission:

Labcorp Genetics (formerly Invitae), Labcorp
Classification: Uncertain significance for Atrial fibrillation, familial, 6. Last evaluated: 2025-08-27. Review status: criteria provided, single submitter. Criteria: Invitae Variant Classification Sherloc (09022015). Collection method: clinical testing. Allele origin: germline.
Comment: This sequence change replaces serine, which is neutral and polar, with asparagine, which is neutral and polar, at codon 148 of the NPPA protein (p.Ser148Asn). This variant is not present in population databases (gnomAD no frequency). This variant has not been reported in the literature in individuals affected with NPPA-related conditions. An algorithm developed to predict the effect of missense changes on protein structure and function (PolyPhen-2) suggests that this variant is likely to be disruptive. In summary, the available evidence is currently insufficient to determine the role of this variant in disease. Therefore, it has been classified as a Variant of Uncertain Significance.